The following is an entry in ClinVar:

ClinVar aggregate classification (germline): Uncertain significance (1 of 4 stars; one submission).

Conditions:
Hereditary cancer-predisposing syndrome. Also called: Hereditary neoplastic syndrome; Neoplastic Syndromes, Hereditary; Tumor predisposition; Hereditary Cancer Syndrome. Identifiers: Orphanet 140162, MedGen C0027672, MeSH D009386, MONDO:0015356.

Allele frequency attached by ClinVar (database versions not stated): gnomAD exomes below 0.00001; TOPMed below 0.00001; gnomAD 0.00003.
gnomAD v4.1: 1 of 1,614,024 alleles (0.000062%); highest among the groups gnomAD compares: Non-Finnish European, 0.000085%; no homozygotes.

Submission:

Ambry Genetics
Classification: Uncertain significance for Hereditary cancer-predisposing syndrome. Last evaluated: 2014-06-03. Review status: criteria provided, single submitter. Criteria: Ambry Autosomal Dominant and X-Linked criteria (10/2015). Collection method: clinical testing. Allele origin: germline. Observed: 1 variant allele.
Comment: Ã¢â‚¬â€¹<span style="background-color: initial;">The <strong style="background-color: initial;">p.D2008N<span style="background-color: initial;"> variant (also known as c.6022G>A), located in coding exon 41 of the <em style="background-color: initial;">NF1<span style="background-color: initial;"> gene, results from a G to A substitution at nucleotide position 6022. The aspartic acid at codon 2008 is replaced by asparagine, an amino acid with highly similar properties. This variant was not reported in population based cohorts in the following databases: Database of Single Nucleotide Polymorphisms (dbSNP), NHLBI Exome Sequencing Project (ESP), and 1000 Genomes Project. To date, this alteration has been detected with an allele frequency of approximately 0.02% (greater than 5000 alleles tested) in our clinical cohort (includes this individual). This amino acid position is highly conserved in available vertebrate species. In addition, this alteration is predicted to be benign and deleterious by PolyPhen and SIFT <em style="background-color: initial;">in silico<span style="background-color: initial;"> analyses, respectively. Since supporting evidence is limited at this time, the clinical significance of p.D2008N remains unclear.

NM_001042492.3(NF1):c.6022G>A (p.Asp2008Asn)

Gene: NF1 (neurofibromin 1; plus strand). Cytogenetic location: 17q11.2.
Variant type: single nucleotide variant.
Coding change: c.6022G>A on transcript NM_001042492.3 (MANE Select); coding-DNA position 6022, G replaced by A.
Protein change: p.Asp2008Asn; replaces aspartic acid 2008 with asparagine.
Molecular consequence: missense variant.
Genome position (GRCh38, 1-based): chr17:31,336,348, G>A. VCF-style: chr17-31336348-G-A. GRCh37 (hg19) VCF-style: chr17-29663366-G-A.
Other names: c.5959G>A, p.Asp1987Asn (NM_000267.4); short protein forms D1987N, D2008N.
Identifiers: ClinVar variation 185095 (VCV000185095.3), dbSNP rs786201924, ClinGen allele CA191001.